The following is an entry in ClinVar:

ClinVar aggregate classification (germline): Conflicting classifications of pathogenicity. Review status: criteria provided, conflicting classifications (1 of 4 stars). 3 submissions from 3 submitters: Uncertain significance (1); Likely benign (2). Last evaluated 2026-08-07.

Conditions:
ATP2B2-related disorder. Also called: ATP2B2-related condition.

Allele frequency attached by ClinVar (database versions not stated): gnomAD 0.00003; TOPMed 0.00004; gnomAD exomes 0.00008; ESP Exome Variant Server 0.00015; ExAC 0.00016.
gnomAD v4.1: 133 of 1,613,822 alleles (0.0082%); highest among the groups gnomAD compares: South Asian, 0.088%; no homozygotes.

Submissions (3):

PreventionGenetics, part of Exact Sciences
Classification: Likely benign for ATP2B2-related condition. Last evaluated: 2026-08-07. Review status: criteria provided, single submitter. Criteria: ACMG Guidelines, 2015. Collection method: clinical testing. Allele origin: germline.
Comment: This variant is classified as likely benign based on ACMG/AMP sequence variant interpretation guidelines (Richards et al. 2015 PMID: 25741868, with internal and published modifications).

Labcorp Genetics (formerly Invitae), Labcorp
Classification: Likely benign. Last evaluated: 2025-09-25. Review status: criteria provided, single submitter. Criteria: Invitae Variant Classification Sherloc (09022015). Collection method: clinical testing. Allele origin: germline.

Ambry Genetics
Classification: Uncertain significance. Last evaluated: 2022-07-13. Review status: criteria provided, single submitter. Criteria: Ambry Variant Classification Scheme 2023. Collection method: clinical testing. Allele origin: germline.

NM_001001331.4(ATP2B2):c.214G>A (p.Ala72Thr)

Gene: ATP2B2 (ATPase plasma membrane Ca2+ transporting 2; minus strand). Cytogenetic location: 3p25.3.
Variant type: single nucleotide variant.
Coding change: c.214G>A on transcript NM_001001331.4 (MANE Select); coding-DNA position 214, G replaced by A.
Protein change: p.Ala72Thr; replaces alanine 72 with threonine.
Molecular consequence: missense variant.
Genome position (GRCh38, 1-based): chr3:10,410,801, C>T on the plus strand (G>A on the coding strand, the complement: ATP2B2 is on the minus strand). VCF-style: chr3-10410801-C-T. GRCh37 (hg19) VCF-style: chr3-10452485-C-T.
Other names: c.214G>A, p.Ala72Thr (NM_001330611.3, NM_001353564.1, NM_001363862.1 and 1 more transcripts); short protein forms A72T.
Identifiers: ClinVar variation 2341859 (VCV002341859.6), dbSNP rs370301558, ClinGen allele CA2254069.
Genomic context (GRCh38, chr3:10,410,801, plus strand): 5'-GCTTCTTTGGAGGTATAAAGTTTTGCCCAAAAATTTGCTTTCTCTTTTCCAGGTCTGGAG[C>T]GGTGCCCGGCAAACCTGTGGACAGAGAACAGAGAGGTTGGCTGGGGGCCTGGGAGAGATG-3'
Protein context (NP_001001331.1, residues 62-82): TSPVEGLPGT[Ala72Thr]PDLEKRKQIF